The following is an entry in ClinVar:

NM_000487.6(ARSA):c.847G>T (p.Asp283Tyr)

Gene: ARSA (arylsulfatase A; minus strand). Cytogenetic location: 22q13.33.
Variant type: single nucleotide variant.
Coding change: c.847G>T on transcript NM_000487.6 (MANE Select); coding-DNA position 847, G replaced by T.
Protein change: p.Asp283Tyr; replaces aspartic acid 283 with tyrosine.
Molecular consequence: missense variant.
Genome position (GRCh38, 1-based): chr22:50,626,598, C>A on the plus strand (G>T on the coding strand, the complement: ARSA is on the minus strand). VCF-style: chr22-50626598-C-A. GRCh37 (hg19) VCF-style: chr22-51065026-C-A.
Other names: c.847G>T, p.Asp283Tyr (NM_001085425.3, NM_001085426.3, NM_001085427.3); c.589G>T, p.Asp197Tyr (NM_001085428.3, NM_001362782.2); short protein forms D283Y, D197Y.
Identifiers: ClinVar variation 68151 (VCV000068151.17), dbSNP rs199476386, ClinGen allele CA219058.

ClinVar aggregate classification (germline): Conflicting classifications of pathogenicity. Review status: criteria provided, conflicting classifications (1 of 4 stars). 7 submissions from 7 submitters: Pathogenic (3); Uncertain significance (2). 2 of the submissions do not count toward it. Last evaluated 2025-02-06.

Conditions:
Metachromatic leukodystrophy (MLD). Also called: METACHROMATIC LEUKOENCEPHALOPATHY; SULFATIDE LIPIDOSIS; Cerebral sclerosis diffuse metachromatic form; Arylsulfatase A Deficiency; ARSA DEFICIENCY; CEREBROSIDE SULFATASE DEFICIENCY. Identifiers: Orphanet 512, MedGen C0023522, MONDO:0018868, OMIM 250100.

Allele frequency attached by ClinVar (database versions not stated): gnomAD 0.00001; TOPMed 0.00001; gnomAD exomes below 0.00001.
gnomAD v4.1: 6 of 1,613,226 alleles (0.00037%); highest among the groups gnomAD compares: Non-Finnish European, 0.00051%; no homozygotes.

Submissions (7):

Natera, Inc.
Classification: Pathogenic for Metachromatic leukodystrophy. Last evaluated: 2025-02-06. Review status: criteria provided, single submitter. Criteria: Natera Variant Classification Schema (03/2026). Collection method: clinical testing. Allele origin: germline.
Comment: The c.847G>T variant in ARSA is a missense variant predicted to cause substitution of aspartic acid to tyrosine at amino acid 283. This variant is rare in the general population with a frequency below the threshold expected for the associated phenotype(s). This variant has been observed in one or more individuals affected with the associated recessive disease, as either homozygous or compound heterozygous with a second variant (PMID: 36240581, 32632536, 33185815, 29899471, 10533072). This variant has been identified in one or more affected individual with a phenotype highly consistent with the associated gene (PMID: 36240581, 32632536, 33185815, 29899471, 10533072). Computational prediction algorithms indicate this variant is likely to affect gene or protein function. Given the available evidence, this variant is classified as Pathogenic.

Women's Health and Genetics/Laboratory Corporation of America, LabCorp
Classification: Pathogenic for Metachromatic leukodystrophy. Last evaluated: 2024-11-15. Review status: criteria provided, single submitter. Criteria: LabCorp Variant Classification Summary - May 2015. Collection method: clinical testing. Allele origin: germline.
Comment: Variant summary: ARSA c.847G>T (p.Asp283Tyr) results in a non-conservative amino acid change located in the Sulfatase, N-terminal domain (IPR000917) of the encoded protein sequence. Four of four in-silico tools predict a damaging effect of the variant on protein function. The frequency data for this variant in gnomAD is considered unreliable, as metrics indicate poor data quality at this position. c.847G>T has been reported in the literature in individuals affected with Metachromatic Leukodystrophy (e.g. Halsall_1999, Rauschka_2006, Frati_2018, Beerepoot_2020, Amr_2021, Santhanakumaran_2022). These data indicate that the variant is likely to be associated with disease. Publications also reported enzyme activity measurements from patient derived samples and demonstrated absent or <1% of normal activity (e.g. Frati_2018, Santhanakumaran_2022). The following publications have been ascertained in the context of this evaluation (PMID: 10533072, 16966551, 29899471, 32632536, 33185815, 36240581). ClinVar contains an entry for this variant (Variation ID: 68151). Based on the evidence outlined above, the variant was classified as pathogenic.

Labcorp Genetics (formerly Invitae), Labcorp
Classification: Pathogenic for Metachromatic leukodystrophy. Last evaluated: 2023-11-08. Review status: criteria provided, single submitter. Criteria: Invitae Variant Classification Sherloc (09022015). Collection method: clinical testing. Allele origin: germline.
Comment: This sequence change replaces aspartic acid, which is acidic and polar, with tyrosine, which is neutral and polar, at codon 283 of the ARSA protein (p.Asp283Tyr). This variant is not present in population databases (gnomAD no frequency). This missense change has been observed in individual(s) with metachromatic leukodystrophy (PMID: 10533072). In at least one individual the data is consistent with being in trans (on the opposite chromosome) from a pathogenic variant. This variant is also known as AKA Asp281Tyr. ClinVar contains an entry for this variant (Variation ID: 68151). Advanced modeling of protein sequence and biophysical properties (such as structural, functional, and spatial information, amino acid conservation, physicochemical variation, residue mobility, and thermodynamic stability) performed at Invitae indicates that this missense variant is expected to disrupt ARSA protein function with a positive predictive value of 95%. This variant disrupts the p.Asp283 amino acid residue in ARSA. Other variant(s) that disrupt this residue have been observed in individuals with ARSA-related conditions (PMID: 28670130, 30057904, 31694723), which suggests that this may be a clinically significant amino acid residue. For these reasons, this variant has been classified as Pathogenic.

Athena Diagnostics
Classification: Uncertain significance. Last evaluated: 2021-01-13. Review status: criteria provided, single submitter. Criteria: Athena Diagnostics criteria. Collection method: clinical testing. Allele origin: unknown.

Eurofins Ntd Llc (ga)
Classification: Uncertain significance. Last evaluated: 2016-10-27. Review status: criteria provided, single submitter. Criteria: EGL Classification Definitions 2015. Collection method: clinical testing. Allele origin: germline. Observed: 1 variant allele, 1 heterozygote.

Counsyl
Classification: Uncertain significance for Metachromatic leukodystrophy. Last evaluated: 2017-07-20. Review status: no assertion criteria provided. Collection method: clinical testing. Allele origin: unknown. Not counted in ClinVar's aggregate classification.

UniProtKB/Swiss-Prot
No classification provided. Review status: no classification provided. Collection method: not provided. Allele origin: not provided. Not counted in ClinVar's aggregate classification.

Literature cited by the submitters: PubMed 36240581 (cited by Natera, Inc. and Women's Health and Genetics/Laboratory Corporation of America, LabCorp); PubMed 32632536 (cited by Natera, Inc. and Women's Health and Genetics/Laboratory Corporation of America, LabCorp); PubMed 33185815 (cited by Natera, Inc. and Women's Health and Genetics/Laboratory Corporation of America, LabCorp); PubMed 29899471 (cited by Natera, Inc. and Women's Health and Genetics/Laboratory Corporation of America, LabCorp); PubMed 10533072 (cited by 5 submitters); PubMed 16966551 (cited by Women's Health and Genetics/Laboratory Corporation of America, LabCorp and Athena Diagnostics); PubMed 28670130 (cited by Labcorp Genetics (formerly Invitae), Labcorp); PubMed 30057904 (cited by Labcorp Genetics (formerly Invitae), Labcorp); PubMed 31694723 (cited by Labcorp Genetics (formerly Invitae), Labcorp); PubMed 12809637 (cited by Athena Diagnostics); PubMed 21080229 (cited by Athena Diagnostics).